The following is an entry in ClinVar:

ClinVar aggregate classification (germline): Uncertain significance (1 of 4 stars; one submission).

Conditions:
Nephrolithiasis/nephrocalcinosis. Identifiers: MedGen CN580796.

Allele frequency attached by ClinVar (database versions not stated): TOPMed below 0.00001.

Submission:

Ambry Genetics
Classification: Uncertain significance for Nephrolithiasis/nephrocalcinosis. Last evaluated: 2022-09-28. Review status: criteria provided, single submitter. Criteria: Ambry Variant Classification Scheme 2023. Collection method: clinical testing. Allele origin: germline.
Comment: The p.R961K variant (also known as c.2882G>A), located in coding exon 6 of the CASR gene, results from a G to A substitution at nucleotide position 2882. The arginine at codon 961 is replaced by lysine, an amino acid with highly similar properties. This amino acid position is conserved. In addition, this alteration is predicted to be tolerated by in silico analysis. Since supporting evidence is limited at this time, the clinical significance of this alteration remains unclear.

NM_000388.4(CASR):c.2882G>A (p.Arg961Lys)

Gene: CASR (calcium sensing receptor; plus strand). Cytogenetic location: 3q21.1.
Variant type: single nucleotide variant.
Coding change: c.2882G>A on transcript NM_000388.4 (MANE Select); coding-DNA position 2882, G replaced by A.
Protein change: p.Arg961Lys; replaces arginine 961 with lysine.
Molecular consequence: missense variant.
Genome position (GRCh38, 1-based): chr3:122,284,836, G>A. VCF-style: chr3-122284836-G-A. GRCh37 (hg19) VCF-style: chr3-122003683-G-A.
Other names: c.2912G>A, p.Arg971Lys (NM_001178065.2); short protein forms R961K, R971K.
Identifiers: ClinVar variation 1797194 (VCV001797194.2), dbSNP rs2074947859, ClinGen allele CA354160975.